The following is an entry in ClinVar:

ClinVar aggregate classification (germline): Uncertain significance (1 of 4 stars; one submission).

Allele frequency attached by ClinVar (database versions not stated): gnomAD exomes below 0.00001 and 0.00001; ExAC 0.00001; gnomAD 0.00001.
gnomAD v4.1: 8 of 1,613,748 alleles (0.0005%); highest among the groups gnomAD compares: East Asian, 0.0022%; no homozygotes.

Submission:

Labcorp Genetics (formerly Invitae), Labcorp
Classification: Uncertain significance. Last evaluated: 2021-04-26. Review status: criteria provided, single submitter. Criteria: Invitae Variant Classification Sherloc (09022015). Collection method: clinical testing. Allele origin: germline.
Comment: In summary, the available evidence is currently insufficient to determine the role of this variant in disease. Therefore, it has been classified as a Variant of Uncertain Significance. Advanced modeling of protein sequence and biophysical properties (such as structural, functional, and spatial information, amino acid conservation, physicochemical variation, residue mobility, and thermodynamic stability) performed at Invitae indicates that this missense variant is not expected to disrupt COL7A1 protein function. This variant has not been reported in the literature in individuals with COL7A1-related conditions. This variant is present in population databases (rs770956294, ExAC 0.002%). This sequence change replaces leucine with isoleucine at codon 1428 of the COL7A1 protein (p.Leu1428Ile). The leucine residue is moderately conserved and there is a small physicochemical difference between leucine and isoleucine.

NM_000094.4(COL7A1):c.4282C>A (p.Leu1428Ile)

Gene: COL7A1 (collagen type VII alpha 1 chain; minus strand). Cytogenetic location: 3p21.31.
Variant type: single nucleotide variant.
Coding change: c.4282C>A on transcript NM_000094.4 (MANE Select); coding-DNA position 4282, C replaced by A.
Protein change: p.Leu1428Ile; replaces leucine 1428 with isoleucine.
Molecular consequence: missense variant.
Genome position (GRCh38, 1-based): chr3:48,583,777, G>T on the plus strand (C>A on the coding strand, the complement: COL7A1 is on the minus strand). VCF-style: chr3-48583777-G-T. GRCh37 (hg19) VCF-style: chr3-48621210-G-T.
Other names: short protein forms L1428I.
Identifiers: ClinVar variation 1423487 (VCV001423487.6), dbSNP rs770956294, ClinGen allele CA2380110.
Genomic context (GRCh38, chr3:48,583,777, plus strand): 5'-CTTTTTCTCCTTTCTTTCCAGGGGGGCCAACGGGGCCTTGGGGTCCAGGGCTTCCGGGAA[G>T]ACCCTAGGAAGAAGTGAGTAAAAATATGAGCCAAGAACTATGAAGCCCAGCACCCAACCA-3'
Protein context (NP_000085.1, residues 1418-1438): IAPGEPGLPG[Leu1428Ile]PGSPGPQGPV